The following is an entry in ClinVar:

ClinVar aggregate classification (germline): Uncertain significance. Review status: criteria provided, multiple submitters, no conflicts (2 of 4 stars). 2 submissions from 2 submitters: Uncertain significance (2). Last evaluated 2025-06-12.

Conditions:
Inborn genetic diseases. Identifiers: MedGen C0950123, MeSH D030342.

Allele frequency attached by ClinVar (database versions not stated): ExAC 0.00004; ESP Exome Variant Server 0.00008; gnomAD 0.00010; TOPMed 0.00016.
gnomAD v4.1: 29 of 1,613,696 alleles (0.0018%); highest among the groups gnomAD compares: African/African-American, 0.035%; no homozygotes.

Submissions (2):

Labcorp Genetics (formerly Invitae), Labcorp
Classification: Uncertain significance. Last evaluated: 2025-06-12. Review status: criteria provided, single submitter. Criteria: Invitae Variant Classification Sherloc (09022015). Collection method: clinical testing. Allele origin: germline.
Comment: This sequence change replaces serine, which is neutral and polar, with cysteine, which is neutral and slightly polar, at codon 1007 of the FREM1 protein (p.Ser1007Cys). This variant is present in population databases (rs375664017, gnomAD 0.04%). This variant has not been reported in the literature in individuals affected with FREM1-related conditions. ClinVar contains an entry for this variant (Variation ID: 1901386). An algorithm developed to predict the effect of missense changes on protein structure and function (PolyPhen-2) suggests that this variant is likely to be disruptive. In summary, the available evidence is currently insufficient to determine the role of this variant in disease. Therefore, it has been classified as a Variant of Uncertain Significance.

Ambry Genetics
Classification: Uncertain significance for Inborn genetic diseases. Last evaluated: 2025-01-08. Review status: criteria provided, single submitter. Criteria: Ambry Variant Classification Scheme 2023. Collection method: clinical testing. Allele origin: germline.

NM_001379081.2(FREM1):c.3020C>G (p.Ser1007Cys)

Gene: FREM1 (FRAS1 related extracellular matrix 1; minus strand). Cytogenetic location: 9p22.3.
Variant type: single nucleotide variant.
Coding change: c.3020C>G on transcript NM_001379081.2 (MANE Select); coding-DNA position 3020, C replaced by G.
Protein change: p.Ser1007Cys; replaces serine 1007 with cysteine.
Molecular consequence: missense variant. On other transcripts: non-coding transcript variant (2).
Genome position (GRCh38, 1-based): chr9:14,808,008, G>C on the plus strand (C>G on the coding strand, the complement: FREM1 is on the minus strand). VCF-style: chr9-14808008-G-C. GRCh37 (hg19) VCF-style: chr9-14808006-G-C.
Other names: c.3020C>G, p.Ser1007Cys (NM_144966.7); c.3020C>G (NM_144966.5); short protein forms S1007C.
Identifiers: ClinVar variation 1901386 (VCV001901386.6), dbSNP rs375664017, ClinGen allele CA4990718.
Genomic context (GRCh38, chr9:14,808,008, plus strand): 5'-ATGGAAGGTGGCTGGTTGTCTACTGGGTATACCGTGATGTTGAGATCATACACTGGAAAG[G>C]ACGCATGAAGTGGAACAGATGGATTGGGTCCATTGTAGCAACAGCCATTCACAAAAGGGC-3'
Protein context (NP_001366010.1, residues 997-1017): GPNPSVPLHA[Ser1007Cys]FPVYDLNITV